The following is an entry in ClinVar:

ClinVar aggregate classification (germline): Conflicting classifications of pathogenicity. Review status: criteria provided, conflicting classifications (1 of 4 stars). 2 submissions from 2 submitters: Likely pathogenic (1); Uncertain significance (1). Last evaluated 2023-11-14.

Conditions:
Inborn genetic diseases. Identifiers: MedGen C0950123, MeSH D030342.

Submissions (2):

GeneDx
Classification: Likely pathogenic. Last evaluated: 2023-11-14. Review status: criteria provided, single submitter. Criteria: GeneDx Variant Classification Process June 2021. Collection method: clinical testing. Allele origin: germline. Affected: yes.
Comment: Has not been previously published as pathogenic or benign to our knowledge; Not observed at significant frequency in large population cohorts (gnomAD); In silico analysis supports that this missense variant has a deleterious effect on protein structure/function

Ambry Genetics
Classification: Uncertain significance for Inborn genetic diseases. Last evaluated: 2023-08-21. Review status: criteria provided, single submitter. Criteria: Ambry Variant Classification Scheme 2023. Collection method: clinical testing. Allele origin: germline.

NM_001393769.1(MED12L):c.2638G>A (p.Gly880Arg)

Genes: MED12L (mediator complex subunit 12L; plus strand), P2RY12 (purinergic receptor P2Y12; minus strand). Cytogenetic location: 3q25.1.
Variant type: single nucleotide variant.
Coding change: c.2638G>A on transcript NM_001393769.1 (MANE Select); coding-DNA position 2638, G replaced by A.
Protein change: p.Gly880Arg; replaces glycine 880 with arginine.
Molecular consequence: missense variant. On other transcripts: intron variant (1).
Genome position (GRCh38, 1-based): chr3:151,356,016, G>A. VCF-style: chr3-151356016-G-A. GRCh37 (hg19) VCF-style: chr3-151073804-G-A.
Other names: c.2533G>A, p.Gly845Arg (NM_053002.6); c.-179-15256C>T (NM_022788.5); short protein forms G845R, G880R.
Identifiers: ClinVar variation 1723020 (VCV001723020.5), dbSNP rs2473553457, ClinGen allele CA354964932.